The following is an entry in ClinVar:

NM_003124.5(SPR):c.260C>G (p.Pro87Arg)

Gene: SPR (sepiapterin reductase; plus strand). Cytogenetic location: 2p13.2.
Variant type: single nucleotide variant.
Coding change: c.260C>G on transcript NM_003124.5 (MANE Select); coding-DNA position 260, C replaced by G.
Protein change: p.Pro87Arg; replaces proline 87 with arginine.
Molecular consequence: missense variant.
Genome position (GRCh38, 1-based): chr2:72,887,692, C>G. VCF-style: chr2-72887692-C-G. GRCh37 (hg19) VCF-style: chr2-73114821-C-G.
Other names: short protein forms P87R.
Identifiers: ClinVar variation 1438587 (VCV001438587.3), dbSNP rs1573881909, ClinGen allele CA347231235.

ClinVar aggregate classification (germline): Uncertain significance (1 of 4 stars; one submission).

Conditions:
Dystonic disorder. Also called: Dystonia. Identifiers: MedGen C0013421, MONDO:0003441, HP:0001332.

Allele frequency attached by ClinVar (database versions not stated): gnomAD 0.00001; 1000 Genomes Project 30x 0.00016.

Submission:

Labcorp Genetics (formerly Invitae), Labcorp
Classification: Uncertain significance for Dystonic disorder. Last evaluated: 2021-08-11. Review status: criteria provided, single submitter. Criteria: Invitae Variant Classification Sherloc (09022015). Collection method: clinical testing. Allele origin: germline.
Comment: This sequence change replaces proline with arginine at codon 87 of the SPR protein (p.Pro87Arg). The proline residue is moderately conserved and there is a moderate physicochemical difference between proline and arginine. The frequency data for this variant in the population databases is considered unreliable, as metrics indicate insufficient coverage at this position in the ExAC database. This variant has not been reported in the literature in individuals affected with SPR-related conditions. Algorithms developed to predict the effect of missense changes on protein structure and function (SIFT, PolyPhen-2, Align-GVGD) all suggest that this variant is likely to be tolerated. In summary, the available evidence is currently insufficient to determine the role of this variant in disease. Therefore, it has been classified as a Variant of Uncertain Significance.